The following is an entry in ClinVar:

ClinVar aggregate classification (germline): Uncertain significance. Review status: criteria provided, multiple submitters, no conflicts (2 of 4 stars). 2 submissions from 2 submitters: Uncertain significance (2). Last evaluated 2025-08-04.

Conditions:
Hereditary nonpolyposis colorectal neoplasms. Identifiers: MedGen C0009405, MeSH D003123.
Hereditary cancer-predisposing syndrome. Also called: Hereditary neoplastic syndrome; Hereditary Cancer Syndrome; Tumor predisposition; Neoplastic Syndromes, Hereditary. Identifiers: Orphanet 140162, MedGen C0027672, MeSH D009386, MONDO:0015356.

Submissions (2):

Ambry Genetics
Classification: Uncertain significance for Hereditary cancer-predisposing syndrome. Last evaluated: 2025-08-04. Review status: criteria provided, single submitter. Criteria: Ambry Variant Classification Scheme 2023. Collection method: clinical testing. Allele origin: germline.
Comment: The p.V474L variant (also known as c.1420G>T), located in coding exon 4 of the MSH6 gene, results from a G to T substitution at nucleotide position 1420. The valine at codon 474 is replaced by leucine, an amino acid with highly similar properties. This amino acid position is highly conserved in available vertebrate species. In addition, this alteration is predicted to be deleterious by in silico analysis. Based on the available evidence, the clinical significance of this variant remains unclear.

Labcorp Genetics (formerly Invitae), Labcorp
Classification: Uncertain significance for Hereditary nonpolyposis colorectal neoplasms. Last evaluated: 2024-04-10. Review status: criteria provided, single submitter. Criteria: Invitae Variant Classification Sherloc (09022015). Collection method: clinical testing. Allele origin: germline.
Comment: This sequence change replaces valine, which is neutral and non-polar, with leucine, which is neutral and non-polar, at codon 474 of the MSH6 protein (p.Val474Leu). This variant is not present in population databases (gnomAD no frequency). This variant has not been reported in the literature in individuals affected with MSH6-related conditions. ClinVar contains an entry for this variant (Variation ID: 1521508). Advanced modeling of protein sequence and biophysical properties (such as structural, functional, and spatial information, amino acid conservation, physicochemical variation, residue mobility, and thermodynamic stability) performed at Invitae indicates that this missense variant is not expected to disrupt MSH6 protein function with a negative predictive value of 95%. In summary, the available evidence is currently insufficient to determine the role of this variant in disease. Therefore, it has been classified as a Variant of Uncertain Significance.

NM_000179.3(MSH6):c.1420G>T (p.Val474Leu)

Gene: MSH6 (mutS homolog 6; plus strand). Cytogenetic location: 2p16.3.
Variant type: single nucleotide variant.
Coding change: c.1420G>T on transcript NM_000179.3 (MANE Select); coding-DNA position 1420, G replaced by T.
Protein change: p.Val474Leu; replaces valine 474 with leucine.
Molecular consequence: missense variant.
Genome position (GRCh38, 1-based): chr2:47,799,403, G>T. VCF-style: chr2-47799403-G-T. GRCh37 (hg19) VCF-style: chr2-48026542-G-T.
Other names: c.1030G>T, p.Val344Leu (NM_001281492.2); c.514G>T, p.Val172Leu (NM_001281493.2, NM_001281494.2); short protein forms V344L, V172L, V474L.
Identifiers: ClinVar variation 1521508 (VCV001521508.11), dbSNP rs1558661621, ClinGen allele CA346745388.
Genomic context (GRCh38, chr2:47,799,403, plus strand): 5'-GGCAACTGGGCCCATTCTGGCTTTCCTGAAATTGCATTTGGCCGTTATTCAGATTCCCTG[G>T]TGCAGAAGGGCTATAAAGTAGCACGAGTGGAACAGACTGAGACTCCAGAAATGATGGAGG-3'
Protein context (NP_000170.1, residues 464-484): IAFGRYSDSL[Val474Leu]QKGYKVARVE